The following is an entry in ClinVar:

ClinVar aggregate classification (germline): Uncertain significance (1 of 4 stars; one submission).

Submission:

Ambry Genetics
Classification: Uncertain significance. Last evaluated: 2024-04-17. Review status: criteria provided, single submitter. Criteria: Ambry Variant Classification Scheme 2023. Collection method: clinical testing. Allele origin: germline.
Comment: The p.N1610H variant (also known as c.4828A>C), located in coding exon 37 of the PRKDC gene, results from an A to C substitution at nucleotide position 4828. The asparagine at codon 1610 is replaced by histidine, an amino acid with similar properties. This amino acid position is conserved. In addition, this alteration is predicted to be tolerated by in silico analysis. Based on the available evidence, the clinical significance of this variant remains unclear.

NM_006904.7(PRKDC):c.4828A>C (p.Asn1610His)

Gene: PRKDC (protein kinase, DNA-activated, catalytic subunit; minus strand). Cytogenetic location: 8q11.21.
Variant type: single nucleotide variant.
Coding change: c.4828A>C on transcript NM_006904.7 (MANE Select); coding-DNA position 4828, A replaced by C.
Protein change: p.Asn1610His; replaces asparagine 1610 with histidine.
Molecular consequence: missense variant.
Genome position (GRCh38, 1-based): chr8:47,882,046, T>G on the plus strand (A>C on the coding strand, the complement: PRKDC is on the minus strand). VCF-style: chr8-47882046-T-G. GRCh37 (hg19) VCF-style: chr8-48794607-T-G.
Other names: c.4828A>C, p.Asn1610His (NM_001081640.2); short protein forms N1610H.
Identifiers: ClinVar variation 3310030 (VCV003310030.1).
Genomic context (GRCh38, chr8:47,882,046, plus strand): 5'-CACACTTCTTCCAGTGTTGCAGAATTGTAGTCGCAAGTTTCAGTCCTTGGTGTTTCTGGT[T>G]TGCTCGCTCCCTGAAGCTCTGGTCTAACATGCCGTTCAAAACGGCACTCACCTGAGACAA-3'
Protein context (NP_008835.5, residues 1600-1620): MLDQSFRERA[Asn1610His]QKHQGLKLAT